The following is an entry in ClinVar:

NM_001329943.3(KIAA0586):c.3715A>G (p.Thr1239Ala)

Gene: KIAA0586 (KIAA0586; plus strand). Cytogenetic location: 14q23.1.
Variant type: single nucleotide variant.
Coding change: c.3715A>G on transcript NM_001329943.3 (MANE Select); coding-DNA position 3715, A replaced by G.
Protein change: p.Thr1239Ala; replaces threonine 1239 with alanine.
Molecular consequence: missense variant.
Genome position (GRCh38, 1-based): chr14:58,488,808, A>G. VCF-style: chr14-58488808-A-G. GRCh37 (hg19) VCF-style: chr14-58955526-A-G.
Other names: c.3874A>G, p.Thr1292Ala (NM_001244189.2); c.3670A>G, p.Thr1224Ala (NM_001244190.2); c.3460A>G, p.Thr1154Ala (NM_001244191.2, NM_001329945.2, NM_001364700.1 and 1 more transcripts); c.3583A>G, p.Thr1195Ala (NM_001244192.2); c.3295A>G, p.Thr1099Ala (NM_001244193.2); c.3715A>G, p.Thr1239Ala (NM_001329944.2, NM_001329946.2, NM_001329947.2); c.3487A>G, p.Thr1163Ala (NM_014749.5); short protein forms T1163A, T1292A, T1224A, T1239A, T1195A, T1099A, T1154A.
Identifiers: ClinVar variation 432266 (VCV000432266.9), dbSNP rs201889432, ClinGen allele CA261648363.

ClinVar aggregate classification (germline): Uncertain significance. Review status: criteria provided, multiple submitters, no conflicts (2 of 4 stars). 2 submissions from 2 submitters: Uncertain significance (2). Last evaluated 2024-03-16.

Conditions:
Short-rib thoracic dysplasia 14 with polydactyly (SRTD14). Identifiers: Orphanet 397715, MedGen C4225286, MONDO:0014688, OMIM 616546.
Joubert syndrome 23 (JBTS23). Identifiers: Orphanet 475, MedGen C4084822, MONDO:0014664, OMIM 616490.

Allele frequency attached by ClinVar (database versions not stated): gnomAD 0.00001; gnomAD exomes 0.00001; TOPMed 0.00001.
gnomAD v4.1: 13 of 1,613,794 alleles (0.00081%); highest among the groups gnomAD compares: Non-Finnish European, 0.0011%; no homozygotes.

Submissions (2):

Labcorp Genetics (formerly Invitae), Labcorp
Classification: Uncertain significance for Joubert syndrome 23; Short-rib thoracic dysplasia 14 with polydactyly. Last evaluated: 2024-03-16. Review status: criteria provided, single submitter. Criteria: Invitae Variant Classification Sherloc (09022015). Collection method: clinical testing. Allele origin: germline.
Comment: This sequence change replaces threonine, which is neutral and polar, with alanine, which is neutral and non-polar, at codon 1292 of the KIAA0586 protein (p.Thr1292Ala). This variant is not present in population databases (gnomAD no frequency). This variant has not been reported in the literature in individuals affected with KIAA0586-related conditions. ClinVar contains an entry for this variant (Variation ID: 432266). Advanced modeling of protein sequence and biophysical properties (such as structural, functional, and spatial information, amino acid conservation, physicochemical variation, residue mobility, and thermodynamic stability) performed at Invitae indicates that this missense variant is expected to disrupt KIAA0586 protein function with a positive predictive value of 80%. In summary, the available evidence is currently insufficient to determine the role of this variant in disease. Therefore, it has been classified as a Variant of Uncertain Significance.

GeneDx
Classification: Uncertain significance. Last evaluated: 2020-01-21. Review status: criteria provided, single submitter. Criteria: GeneDx Variant Classification Process June 2021. Collection method: clinical testing. Allele origin: germline. Affected: yes.
Comment: Not observed in large population cohorts (Lek et al., 2016); In silico analysis, which includes protein predictors and evolutionary conservation, supports a deleterious effect; Has not been previously published as pathogenic or benign to our knowledge